The following is an entry in ClinVar:

NM_006267.5(RANBP2):c.4789A>G (p.Ser1597Gly)

Gene: RANBP2 (RAN binding protein 2; plus strand). Cytogenetic location: 2q13.
Variant type: single nucleotide variant.
Coding change: c.4789A>G on transcript NM_006267.5 (MANE Select); coding-DNA position 4789, A replaced by G.
Protein change: p.Ser1597Gly; replaces serine 1597 with glycine.
Molecular consequence: missense variant.
Genome position (GRCh38, 1-based): chr2:108,765,328, A>G. VCF-style: chr2-108765328-A-G. GRCh37 (hg19) VCF-style: chr2-109381784-A-G.
Other names: short protein forms S1597G.
Identifiers: ClinVar variation 863149 (VCV000863149.10), dbSNP rs1677043381, ClinGen allele CA348068672.
Genomic context (GRCh38, chr2:108,765,328, plus strand): 5'-TCTGTTCCAGCTCCTGCCTCTTTTAAGTTTGGTACTTCAGAGACAAGCAAGGCTCCAAAG[A>G]GCGGATTTGAGGGAATGTTCACTAAGAAGGAGGGACAGTGGGATTGCAGTGTGTGCTTAG-3'
Protein context (NP_006258.3, residues 1587-1607): GTSETSKAPK[Ser1597Gly]GFEGMFTKKE

ClinVar aggregate classification (germline): Uncertain significance (1 of 4 stars; one submission).

Conditions:
Familial acute necrotizing encephalopathy (IIAE3). Also called: ENCEPHALOPATHY, ACUTE, INFECTION-INDUCED, SUSCEPTIBILITY TO, 3; Susceptibility to Acute Necrotizing Encephalopathy 1. Identifiers: Orphanet 88619, MedGen C2675556, MONDO:0011953, OMIM 608033.

Submission:

Labcorp Genetics (formerly Invitae), Labcorp
Classification: Uncertain significance for Familial acute necrotizing encephalopathy. Last evaluated: 2022-01-14. Review status: criteria provided, single submitter. Criteria: Invitae Variant Classification Sherloc (09022015). Collection method: clinical testing. Allele origin: germline.
Comment: Algorithms developed to predict the effect of missense changes on protein structure and function output the following: SIFT: "Deleterious"; PolyPhen-2: "Benign"; Align-GVGD: "Class C0". The glycine amino acid residue is found in multiple mammalian species, which suggests that this missense change does not adversely affect protein function. ClinVar contains an entry for this variant (Variation ID: 863149). This variant has not been reported in the literature in individuals affected with RANBP2-related conditions. This variant is not present in population databases (gnomAD no frequency). This sequence change replaces serine, which is neutral and polar, with glycine, which is neutral and non-polar, at codon 1597 of the RANBP2 protein (p.Ser1597Gly). In summary, the available evidence is currently insufficient to determine the role of this variant in disease. Therefore, it has been classified as a Variant of Uncertain Significance.